The following is an entry in ClinVar:

NM_194454.3(KRIT1):c.646A>G (p.Lys216Glu)

Gene: KRIT1 (KRIT1 ankyrin repeat containing; minus strand). Cytogenetic location: 7q21.2.
Variant type: single nucleotide variant.
Coding change: c.646A>G on transcript NM_194454.3 (MANE Select); coding-DNA position 646, A replaced by G.
Protein change: p.Lys216Glu; replaces lysine 216 with glutamic acid.
Molecular consequence: missense variant. On other transcripts: intron variant (1).
Genome position (GRCh38, 1-based): chr7:92,235,486, T>C on the plus strand (A>G on the coding strand, the complement: KRIT1 is on the minus strand). VCF-style: chr7-92235486-T-C. GRCh37 (hg19) VCF-style: chr7-91864800-T-C.
Other names: c.646A>G, p.Lys216Glu (NM_001013406.2, NM_001350669.1, NM_001350670.1 and 29 more transcripts); c.15+48A>G (NM_001350671.1); short protein forms K216E.
Identifiers: ClinVar variation 590747 (VCV000590747.11), dbSNP rs1563305909, ClinGen allele CA368160185.

ClinVar aggregate classification (germline): Uncertain significance. Review status: criteria provided, multiple submitters, no conflicts (2 of 4 stars). 2 submissions from 2 submitters: Uncertain significance (2). Last evaluated 2020-02-25.

Conditions:
Cerebral cavernous malformation (CCM). Also called: Cavernous Hemangioma of Brain; Cerebral cavernous hemangioma (type); Cerebral cavernous malformations; CAVERNOUS ANGIOMA, FAMILIAL; CAVERNOUS ANGIOMATOUS MALFORMATIONS; CEREBRAL CAPILLARY MALFORMATIONS. Identifiers: Orphanet 221061, MedGen C2919945, MONDO:0000820, OMIM 116860, HP:0033522.

Submissions (2):

Labcorp Genetics (formerly Invitae), Labcorp
Classification: Uncertain significance for Cerebral cavernous malformation. Last evaluated: 2020-02-25. Review status: criteria provided, single submitter. Criteria: Invitae Variant Classification Sherloc (09022015). Collection method: clinical testing. Allele origin: germline.
Comment: This sequence change replaces lysine with glutamic acid at codon 216 of the KRIT1 protein (p.Lys216Glu). The lysine residue is highly conserved and there is a small physicochemical difference between lysine and glutamic acid. This variant is not present in population databases (ExAC no frequency). This variant has not been reported in the literature in individuals with KRIT1-related conditions. ClinVar contains an entry for this variant (Variation ID: 590747). Algorithms developed to predict the effect of missense changes on protein structure and function (SIFT, PolyPhen-2, Align-GVGD) all suggest that this variant is likely to be disruptive, but these predictions have not been confirmed by published functional studies and their clinical significance is uncertain. In summary, the available evidence is currently insufficient to determine the role of this variant in disease. Therefore, it has been classified as a Variant of Uncertain Significance.

PreventionGenetics, part of Exact Sciences
Classification: Uncertain significance. Last evaluated: 2017-07-05. Review status: criteria provided, single submitter. Criteria: ACMG Guidelines, 2015. Collection method: clinical testing. Allele origin: germline.